The following is an entry in ClinVar:

NM_004260.4(RECQL4):c.2460C>T (p.Pro820=)

Gene: RECQL4 (RecQ like helicase 4; minus strand). Cytogenetic location: 8q24.3.
Variant type: single nucleotide variant.
Coding change: c.2460C>T on transcript NM_004260.4 (MANE Select); coding-DNA position 2460, C replaced by T.
Protein change: p.Pro820=; no amino-acid change (proline 820 retained).
Molecular consequence: synonymous variant.
Genome position (GRCh38, 1-based): chr8:144,513,221, G>A on the plus strand (C>T on the coding strand, the complement: RECQL4 is on the minus strand). VCF-style: chr8-144513221-G-A. GRCh37 (hg19) VCF-style: chr8-145738604-G-A.
Identifiers: ClinVar variation 239728 (VCV000239728.55), dbSNP rs202078917, ClinGen allele CA4948289.
Genomic context (GRCh38, chr8:144,513,221, plus strand): 5'-GTGGGGTGGACCACTGGGGGCTCGAGCACTGGCAGTGTGGGGGGGGGGGGTGCCAACCTG[G>A]GGCTGCAGGAAGAGGTGGCAGTGGGCAGGCTGCCCGTCACGCCCGGCCCGGCCCACGGCC-3'
Protein context (NP_004251.4, residues 810-830): QPAHCHLFLQ[Pro820=]QGEDLRELRR

ClinVar aggregate classification (germline): Benign/Likely benign. Review status: criteria provided, multiple submitters, no conflicts (2 of 4 stars). 11 submissions from 11 submitters: Benign (1); Likely benign (6). 4 of the submissions do not count toward it. Last evaluated 2026-10-01.

Conditions:
Hereditary cancer-predisposing syndrome. Also called: Hereditary neoplastic syndrome; Hereditary Cancer Syndrome; Neoplastic Syndromes, Hereditary; Tumor predisposition. Identifiers: Orphanet 140162, MedGen C0027672, MeSH D009386, MONDO:0015356.
Inborn genetic diseases. Identifiers: MedGen C0950123, MeSH D030342.
Baller-Gerold syndrome (BGS). Also called: CRANIOSYNOSTOSIS WITH RADIAL DEFECTS. Identifiers: Orphanet 1225, MedGen C0265308, MONDO:0009039, OMIM 218600.

Allele frequency attached by ClinVar (database versions not stated): gnomAD exomes 0.00162 and 0.00083; ExAC 0.00078; gnomAD 0.00090 and 0.00098; ESP Exome Variant Server 0.00098; TOPMed 0.00101.

Submissions (11):

CeGaT Center for Human Genetics Tuebingen
Classification: Likely benign. Last evaluated: 2026-10-01. Review status: criteria provided, single submitter. Criteria: CeGaT Center For Human Genetics Tuebingen Variant Classification Criteria Version 2. Collection method: clinical testing. Allele origin: germline. Affected: yes. Observed: 27 variant alleles.
Comment: RECQL4: BP4, BP7

Labcorp Genetics (formerly Invitae), Labcorp
Classification: Benign for Baller-Gerold syndrome. Last evaluated: 2026-01-31. Review status: criteria provided, single submitter. Criteria: Invitae Variant Classification Sherloc (09022015). Collection method: clinical testing. Allele origin: germline.

Ambry Genetics
Classification: Likely benign for Inborn genetic diseases. Last evaluated: 2025-08-08. Review status: criteria provided, single submitter. Criteria: Ambry Variant Classification Scheme 2023. Collection method: clinical testing. Allele origin: germline.

Blueprint Genetics
Classification: Likely benign. Last evaluated: 2024-11-21. Review status: criteria provided, single submitter. Criteria: ACMG Guidelines, 2015. Collection method: clinical testing. Allele origin: germline.

Genetic Services Laboratory, University of Chicago
Classification: Likely benign. Last evaluated: 2021-07-12. Review status: criteria provided, single submitter. Criteria: ACMG Guidelines, 2015. Collection method: clinical testing. Allele origin: germline. Affected: no.

Sema4
Classification: Likely benign for Hereditary cancer-predisposing syndrome. Last evaluated: 2020-12-01. Review status: criteria provided, single submitter. Criteria: Sema4 Curation Guidelines. Collection method: curation. Allele origin: germline.

GeneDx
Classification: Likely benign. Last evaluated: 2020-09-24. Review status: criteria provided, single submitter. Criteria: GeneDx Variant Classification Process June 2021. Collection method: clinical testing. Allele origin: germline. Affected: yes.

Clinical Genetics DNA and cytogenetics Diagnostics Lab, Erasmus MC, Erasmus Medical Center
Classification: Likely benign. Review status: no assertion criteria provided. Collection method: clinical testing. Allele origin: germline. Affected: yes. Study: VKGL Data-share Consensus. Not counted in ClinVar's aggregate classification.

Genome Diagnostics Laboratory, Amsterdam University Medical Center
Classification: Likely benign. Review status: no assertion criteria provided. Collection method: clinical testing. Allele origin: germline. Affected: yes. Study: VKGL Data-share Consensus. Not counted in ClinVar's aggregate classification.

Genome Diagnostics Laboratory, University Medical Center Utrecht
Classification: Likely benign. Review status: no assertion criteria provided. Collection method: clinical testing. Allele origin: germline. Affected: yes. Study: VKGL Data-share Consensus. Not counted in ClinVar's aggregate classification.

Laboratory of Diagnostic Genome Analysis, Leiden University Medical Center (LUMC)
Classification: Likely benign. Review status: no assertion criteria provided. Collection method: clinical testing. Allele origin: germline. Affected: yes. Study: VKGL Data-share Consensus. Not counted in ClinVar's aggregate classification.